The following is an entry in ClinVar:

ClinVar aggregate classification (germline): Uncertain significance. Review status: criteria provided, multiple submitters, no conflicts (2 of 4 stars). 2 submissions from 2 submitters: Uncertain significance (2). Last evaluated 2025-05-14.

Conditions:
Inborn genetic diseases. Identifiers: MedGen C0950123, MeSH D030342.

Allele frequency attached by ClinVar (database versions not stated): TOPMed below 0.00001; gnomAD 0.00001.
gnomAD v4.1: 3 of 1,440,638 alleles (0.00021%); highest among the groups gnomAD compares: African/African-American, 0.0015%; no homozygotes.

Submissions (2):

Ambry Genetics
Classification: Uncertain significance for Inborn genetic diseases. Last evaluated: 2025-05-14. Review status: criteria provided, single submitter. Criteria: Ambry Variant Classification Scheme 2023. Collection method: clinical testing. Allele origin: germline.

Labcorp Genetics (formerly Invitae), Labcorp
Classification: Uncertain significance. Last evaluated: 2023-11-13. Review status: criteria provided, single submitter. Criteria: Invitae Variant Classification Sherloc (09022015). Collection method: clinical testing. Allele origin: germline.
Comment: This sequence change replaces proline, which is neutral and non-polar, with leucine, which is neutral and non-polar, at codon 273 of the HMX1 protein (p.Pro273Leu). This variant is not present in population databases (gnomAD no frequency). This variant has not been reported in the literature in individuals affected with HMX1-related conditions. ClinVar contains an entry for this variant (Variation ID: 1967755). Advanced modeling of protein sequence and biophysical properties (such as structural, functional, and spatial information, amino acid conservation, physicochemical variation, residue mobility, and thermodynamic stability) performed at Invitae indicates that this missense variant is not expected to disrupt HMX1 protein function with a negative predictive value of 80%. In summary, the available evidence is currently insufficient to determine the role of this variant in disease. Therefore, it has been classified as a Variant of Uncertain Significance.

NM_018942.3(HMX1):c.818C>T (p.Pro273Leu)

Gene: HMX1 (H6 family homeobox 1; minus strand). Cytogenetic location: 4p16.1.
Variant type: single nucleotide variant.
Coding change: c.818C>T on transcript NM_018942.3 (MANE Select); coding-DNA position 818, C replaced by T.
Protein change: p.Pro273Leu; replaces proline 273 with leucine.
Molecular consequence: missense variant. On other transcripts: intron variant (1).
Genome position (GRCh38, 1-based): chr4:8,867,922, G>A on the plus strand (C>T on the coding strand, the complement: HMX1 is on the minus strand). VCF-style: chr4-8867922-G-A. GRCh37 (hg19) VCF-style: chr4-8869648-G-A.
Other names: c.394+3299C>T (NM_001306142.2); c.818C>T (NM_018942.2); short protein forms P273L.
Identifiers: ClinVar variation 1967755 (VCV001967755.6), dbSNP rs1722067057, ClinGen allele CA356277750.
Genomic context (GRCh38, chr4:8,867,922, plus strand): 5'-GCGGCCGGGGGGCTTTCGTGGTAGAGCACCGGCACGCGGACCAGGCGCTGCGCTCCCGGC[G>A]GGGACAGGCTGGCCGCCTCCAGCTCGGCTGCCAGCTGCCGCTTCCACTTGTTGCGGCGGT-3'
Protein context (NP_061815.2, residues 263-283): AAELEAASLS[Pro273Leu]PGAQRLVRVP